The following is an entry in ClinVar:

ClinVar aggregate classification (germline): Uncertain significance (1 of 4 stars; one submission).

Conditions:
Melnick-Needles syndrome (MNS). Also called: MELNICK-NEEDLES OSTEODYSPLASTY; OSTEODYSPLASTY OF MELNICK AND NEEDLES; Melnick-Needles Syndrome (FLNA-MNS). Identifiers: Orphanet 2484, MedGen C0025237, MONDO:0010650, OMIM 309350.
Frontometaphyseal dysplasia (FMD1). Identifiers: Orphanet 1826, MedGen C0265293, MONDO:0015942.
Heterotopia, periventricular, X-linked dominant (PVNH1). Also called: PERIVENTRICULAR NODULAR HETEROTOPIA 1; X-linked periventricular heterotopia; PERIVENTRICULAR NODULAR HETEROTOPIA 4; HETEROTOPIA, PERIVENTRICULAR, 1. Identifiers: Orphanet 2149, Orphanet 82004, MedGen C1848213, MONDO:0010233, OMIM 300049.
Oto-palato-digital syndrome, type II (OPD2). Also called: FACIOPALATOOSSEOUS SYNDROME; OPD II SYNDROME; Otopalatodigital Syndrome, Type II; Otopalatodigital Syndrome Type 2 (FLNA-OPD2). Identifiers: Orphanet 669, Orphanet 90652, MedGen C1844696, MONDO:0010571, OMIM 304120.

Submission:

Labcorp Genetics (formerly Invitae), Labcorp
Classification: Uncertain significance for Oto-palato-digital syndrome, type II; Heterotopia, periventricular, X-linked dominant; Frontometaphyseal dysplasia; Melnick-Needles syndrome. Last evaluated: 2024-10-24. Review status: criteria provided, single submitter. Criteria: Invitae Variant Classification Sherloc (09022015). Collection method: clinical testing. Allele origin: germline.
Comment: This sequence change replaces isoleucine, which is neutral and non-polar, with threonine, which is neutral and polar, at codon 1796 of the FLNA protein (p.Ile1796Thr). This variant is not present in population databases (gnomAD no frequency). This variant has not been reported in the literature in individuals affected with FLNA-related conditions. Invitae Evidence Modeling of protein sequence and biophysical properties (such as structural, functional, and spatial information, amino acid conservation, physicochemical variation, residue mobility, and thermodynamic stability) indicates that this missense variant is not expected to disrupt FLNA protein function with a negative predictive value of 95%. In summary, the available evidence is currently insufficient to determine the role of this variant in disease. Therefore, it has been classified as a Variant of Uncertain Significance.

NM_001110556.2(FLNA):c.5411T>C (p.Ile1804Thr)

Gene: FLNA (filamin A; minus strand). Cytogenetic location: Xq28.
Variant type: single nucleotide variant.
Coding change: c.5411T>C on transcript NM_001110556.2 (MANE Select); coding-DNA position 5411, T replaced by C.
Protein change: p.Ile1804Thr; replaces isoleucine 1804 with threonine.
Molecular consequence: missense variant.
Genome position (GRCh38, 1-based): chrX:154,354,386, A>G on the plus strand (T>C on the coding strand, the complement: FLNA is on the minus strand). VCF-style: chrX-154354386-A-G. GRCh37 (hg19) VCF-style: chrX-153582754-A-G.
Other names: c.5387T>C, p.Ile1796Thr (NM_001456.4); short protein forms I1796T, I1804T.
Identifiers: ClinVar variation 3751209 (VCV003751209.2).
Genomic context (GRCh38, chrX:154,354,386, plus strand): 5'-ATTGGCACAGTCTGGCCTCCTTGGCTCCCGAGCTCCTTCCCAAGTCCCCACTCACCTGTG[A>G]TCTCGCCCTTCTTGATGGTGAAGGGGATGACAAGGTCAAAGGGCCTCAGGCTGGTCACAT-3'
Protein context (NP_001104026.1, residues 1794-1814): VIPFTIKKGE[Ile1804Thr]TGEVRMPSGK